The following is an entry in ClinVar:

ClinVar aggregate classification (germline): Pathogenic (1 of 4 stars; one submission).

Conditions:
Retinitis pigmentosa 25 (RP25). Identifiers: Orphanet 791, MedGen C1864446, MONDO:0011272, OMIM 602772.

Submission:

Myriad Genetics, Inc.
Classification: Pathogenic for Retinitis pigmentosa 25. Last evaluated: 2025-03-07. Review status: criteria provided, single submitter. Criteria: Myriad Autosomal Dominant, Autosomal Recessive and X-Linked Classification Criteria (2023). Collection method: clinical testing. Allele origin: unknown.
Comment: NM_001142800.1(EYS):c.2422G>T(E808*) is expected to be pathogenic in the context of retinitis pigmentosa, EYS-related. This variant is predicted to lead to an abnormal or absent protein product due to the creation of a premature termination codon in EYS, a gene where loss-of-function variants are known to be pathogenic. Please note: this variant was assessed in the context of healthy population screening.

NM_001142800.2(EYS):c.2422G>T (p.Glu808Ter)

Gene: EYS (EGF-like photoreceptor maintenance factor; minus strand). Cytogenetic location: 6q12.
Variant type: single nucleotide variant.
Coding change: c.2422G>T on transcript NM_001142800.2 (MANE Select); coding-DNA position 2422, G replaced by T.
Protein change: p.Glu808Ter; replaces glutamic acid 808 with a stop codon.
Molecular consequence: nonsense.
Genome position (GRCh38, 1-based): chr6:64,912,703, C>A on the plus strand (G>T on the coding strand, the complement: EYS is on the minus strand). VCF-style: chr6-64912703-C-A. GRCh37 (hg19) VCF-style: chr6-65622596-C-A.
Other names: c.2422G>T, p.Glu808Ter (NM_001292009.2); short protein forms E808*.
Identifiers: ClinVar variation 5014182 (VCV005014182.1).